The following is an entry in ClinVar:

NM_022436.3(ABCG5):c.331G>T (p.Gly111Trp)

Gene: ABCG5 (ATP binding cassette subfamily G member 5; minus strand). Cytogenetic location: 2p21.
Variant type: single nucleotide variant.
Coding change: c.331G>T on transcript NM_022436.3 (MANE Select); coding-DNA position 331, G replaced by T.
Protein change: p.Gly111Trp; replaces glycine 111 with tryptophan.
Molecular consequence: missense variant.
Genome position (GRCh38, 1-based): chr2:43,832,018, C>A on the plus strand (G>T on the coding strand, the complement: ABCG5 is on the minus strand). VCF-style: chr2-43832018-C-A. GRCh37 (hg19) VCF-style: chr2-44059157-C-A.
Other names: short protein forms G111W.
Identifiers: ClinVar variation 1981625 (VCV001981625.4), dbSNP rs1490854065, ClinGen allele CA346668113.

ClinVar aggregate classification (germline): Uncertain significance (1 of 4 stars; one submission).

Conditions:
Sitosterolemia (STSL). Also called: PHYTOSTEROLEMIA. Identifiers: Orphanet 2882, MedGen C0342907, MONDO:0008863.

Submission:

Labcorp Genetics (formerly Invitae), Labcorp
Classification: Uncertain significance for Sitosterolemia. Last evaluated: 2022-05-21. Review status: criteria provided, single submitter. Criteria: Invitae Variant Classification Sherloc (09022015). Collection method: clinical testing. Allele origin: germline.
Comment: In summary, the available evidence is currently insufficient to determine the role of this variant in disease. Therefore, it has been classified as a Variant of Uncertain Significance. Algorithms developed to predict the effect of missense changes on protein structure and function (SIFT, PolyPhen-2, Align-GVGD) all suggest that this variant is likely to be disruptive. This missense change has been observed in individual(s) with clinical features of sitosterolemia (Invitae). In at least one individual the data is consistent with being in trans (on the opposite chromosome) from a pathogenic variant. This variant is not present in population databases (gnomAD no frequency). This sequence change replaces glycine, which is neutral and non-polar, with tryptophan, which is neutral and slightly polar, at codon 111 of the ABCG5 protein (p.Gly111Trp).